The following is an entry in ClinVar:

NM_001099922.3(ALG13):c.286C>T (p.Leu96Phe)

Gene: ALG13 (ALG13 UDP-N-acetylglucosaminyltransferase subunit; plus strand). Cytogenetic location: Xq23.
Variant type: single nucleotide variant.
Coding change: c.286C>T on transcript NM_001099922.3 (MANE Select); coding-DNA position 286, C replaced by T.
Protein change: p.Leu96Phe; replaces leucine 96 with phenylalanine.
Molecular consequence: missense variant. On other transcripts: 5 prime UTR variant (9), non-coding transcript variant (3).
Genome position (GRCh38, 1-based): chrX:111,685,006, C>T. VCF-style: chrX-111685006-C-T. GRCh37 (hg19) VCF-style: chrX-110928234-C-T.
Other names: c.227C>T, p.Thr76Ile (NM_001039210.5); c.286C>T, p.Leu96Phe (NM_001168385.3, NM_001324292.2, NM_018466.6); c.-27C>T (NM_001257230.2, NM_001257234.2, NM_001257235.3 and 6 more transcripts); c.52C>T, p.Leu18Phe (NM_001257231.2, NM_001257241.3); c.292C>T, p.Leu98Phe (NM_001324290.2); short protein forms L18F, L96F, L98F, T76I.
Identifiers: ClinVar variation 2438993 (VCV002438993.6), dbSNP rs1934570209, ClinGen allele CA414248620.

ClinVar aggregate classification (germline): Uncertain significance. Review status: criteria provided, multiple submitters, no conflicts (2 of 4 stars). 2 submissions from 2 submitters: Uncertain significance (2). Last evaluated 2023-02-17.

Conditions:
Developmental and epileptic encephalopathy, 36 (DEE36). Also called: ALG13-CDG; Epileptic encephalopathy, early infantile, 36; Congenital disorder of glycosylation, type Is. Identifiers: Orphanet 324422, MedGen C4317295, MONDO:0010472, OMIM 300884.

Allele frequency attached by ClinVar (database versions not stated): TOPMed below 0.00001.

Submissions (2):

Labcorp Genetics (formerly Invitae), Labcorp
Classification: Uncertain significance for Developmental and epileptic encephalopathy, 36. Last evaluated: 2023-02-17. Review status: criteria provided, single submitter. Criteria: Invitae Variant Classification Sherloc (09022015). Collection method: clinical testing. Allele origin: germline.
Comment: In summary, the available evidence is currently insufficient to determine the role of this variant in disease. Therefore, it has been classified as a Variant of Uncertain Significance. An algorithm developed to predict the effect of missense changes on protein structure and function (PolyPhen-2) suggests that this variant is likely to be disruptive. This variant has not been reported in the literature in individuals affected with ALG13-related conditions. This variant is not present in population databases (gnomAD no frequency). This sequence change replaces leucine, which is neutral and non-polar, with phenylalanine, which is neutral and non-polar, at codon 96 of the ALG13 protein (p.Leu96Phe).

Revvity Omics, Revvity
Classification: Uncertain significance for Developmental and epileptic encephalopathy, 36. Last evaluated: 2021-12-03. Review status: criteria provided, single submitter. Criteria: ACMG Guidelines, 2015. Collection method: clinical testing. Allele origin: germline.